The following is an entry in ClinVar:

ClinVar aggregate classification (germline): Uncertain significance. Review status: criteria provided, multiple submitters, no conflicts (2 of 4 stars). 4 submissions from 4 submitters: Uncertain significance (4). Last evaluated 2024-01-27.

Conditions:
Hereditary cancer-predisposing syndrome. Also called: Neoplastic Syndromes, Hereditary; Tumor predisposition; Hereditary Cancer Syndrome; Hereditary neoplastic syndrome. Identifiers: Orphanet 140162, MedGen C0027672, MeSH D009386, MONDO:0015356.
Classic or attenuated familial adenomatous polyposis. Identifiers: MedGen CN372698, MONDO:0021057.
Familial adenomatous polyposis 1 (FAP1). Also called: FAMILIAL ADENOMATOUS POLYPOSIS 1, ATTENUATED; POLYPOSIS, ADENOMATOUS INTESTINAL. Identifiers: MedGen C2713442, MONDO:0021056, OMIM 175100. Disease mechanism: loss of function.

Allele frequency attached by ClinVar (database versions not stated): TOPMed 0.00001.

Submissions (4):

Labcorp Genetics (formerly Invitae), Labcorp
Classification: Uncertain significance for Familial adenomatous polyposis 1. Last evaluated: 2024-01-27. Review status: criteria provided, single submitter. Criteria: Invitae Variant Classification Sherloc (09022015). Collection method: clinical testing. Allele origin: germline.
Comment: This sequence change replaces proline, which is neutral and non-polar, with arginine, which is basic and polar, at codon 2622 of the APC protein (p.Pro2622Arg). This variant is not present in population databases (gnomAD no frequency). This variant has not been reported in the literature in individuals affected with APC-related conditions. ClinVar contains an entry for this variant (Variation ID: 482455). Advanced modeling of protein sequence and biophysical properties (such as structural, functional, and spatial information, amino acid conservation, physicochemical variation, residue mobility, and thermodynamic stability) performed at Invitae indicates that this missense variant is not expected to disrupt APC protein function with a negative predictive value of 95%. In summary, the available evidence is currently insufficient to determine the role of this variant in disease. Therefore, it has been classified as a Variant of Uncertain Significance.

Color Diagnostics, LLC DBA Color Health
Classification: Uncertain significance for Hereditary cancer-predisposing syndrome. Last evaluated: 2023-12-04. Review status: criteria provided, single submitter. Criteria: ACMG Guidelines, 2015. Collection method: clinical testing. Allele origin: germline.
Comment: This missense variant replaces proline with arginine at codon 2622 of the APC protein. Computational prediction suggests that this variant may not impact protein structure and function (internally defined REVEL score threshold <= 0.5, PMID: 27666373). To our knowledge, functional studies have not been reported for this variant. This variant has not been reported in individuals affected with APC-related disorders in the literature. This variant has not been identified in the general population by the Genome Aggregation Database (gnomAD). The available evidence is insufficient to determine the role of this variant in disease conclusively. Therefore, this variant is classified as a Variant of Uncertain Significance.

All of Us Research Program, National Institutes of Health
Classification: Uncertain significance for Classic or attenuated familial adenomatous polyposis. Last evaluated: 2023-06-28. Review status: criteria provided, single submitter. Criteria: ACMG Guidelines, 2015. Collection method: clinical testing. Allele origin: germline. Inheritance: Autosomal dominant inheritance. Observed: 1 variant allele, 1 heterozygote.
Comment: This study involves interpretation of variants in research participants for the purpose of population health screening. Participant phenotype was not available at the time of variant classification. Additional details can be found in publication PMID: 35346344, PMCID: PMC8962531

Ambry Genetics
Classification: Uncertain significance for Hereditary cancer-predisposing syndrome. Last evaluated: 2023-02-10. Review status: criteria provided, single submitter. Criteria: Ambry Variant Classification Scheme 2023. Collection method: clinical testing. Allele origin: germline.
Comment: The p.P2622R variant (also known as c.7865C>G), located in coding exon 15 of the APC gene, results from a C to G substitution at nucleotide position 7865. The proline at codon 2622 is replaced by arginine, an amino acid with dissimilar properties. This amino acid position is not well conserved in available vertebrate species. In addition, in silico predictors for this gene do not accurately predict pathogenicity. Since supporting evidence is limited at this time, the clinical significance of this alteration remains unclear.

NM_000038.6(APC):c.7865C>G (p.Pro2622Arg)

Gene: APC (APC regulator of Wnt signaling pathway; plus strand). Cytogenetic location: 5q22.2.
Variant type: single nucleotide variant.
Coding change: c.7865C>G on transcript NM_000038.6 (MANE Select); coding-DNA position 7865, C replaced by G.
Protein change: p.Pro2622Arg; replaces proline 2622 with arginine.
Molecular consequence: missense variant.
Genome position (GRCh38, 1-based): chr5:112,843,459, C>G. VCF-style: chr5-112843459-C-G. GRCh37 (hg19) VCF-style: chr5-112179156-C-G.
Other names: c.7385C>G, p.Pro2462Arg (NM_001354905.2); c.7016C>G, p.Pro2339Arg (NM_001354906.2); c.7865C>G, p.Pro2622Arg (NM_001127510.3, NM_001354895.2); c.7811C>G, p.Pro2604Arg (NM_001127511.3); c.7919C>G, p.Pro2640Arg (NM_001354896.2); c.7895C>G, p.Pro2632Arg (NM_001354897.2); c.7790C>G, p.Pro2597Arg (NM_001354898.2); c.7781C>G, p.Pro2594Arg (NM_001354899.2); and 5 more; short protein forms P2604R, P2622R, P2563R, P2496R, P2521R, P2581R, P2597R, P2640R.
Identifiers: ClinVar variation 482455 (VCV000482455.14), dbSNP rs267600320, ClinGen allele CA16038423.